The following is an entry in ClinVar:

NM_001457.4(FLNB):c.4061+291G>A

Gene: FLNB (filamin B; plus strand). Cytogenetic location: 3p14.3.
Variant type: single nucleotide variant.
Coding change: c.4061+291G>A on transcript NM_001457.4 (MANE Select); 291 bases into the intron after coding-DNA position 4061, G replaced by A.
Molecular consequence: intron variant.
Genome position (GRCh38, 1-based): chr3:58,126,034, G>A. VCF-style: chr3-58126034-G-A. GRCh37 (hg19) VCF-style: chr3-58111761-G-A.
Other names: c.4061+291G>A (NM_001164317.2, NM_001164318.2, NM_001164319.2).
Identifiers: ClinVar variation 671095 (VCV000671095.1), dbSNP rs4681798, ClinGen allele CA11444278.

ClinVar aggregate classification (germline): Benign (1 of 4 stars; one submission).

Allele frequency attached by ClinVar (database versions not stated): gnomAD 0.37295 and 0.38382; TOPMed 0.40490; 1000 Genomes Project 30x 0.58214; 1000 Genomes Project 0.58287.
gnomAD v4.1: 58,293 of 152,056 alleles (38%); highest among the groups gnomAD compares: East Asian, 91%; 13,407 homozygotes.

Submission:

GeneDx
Classification: Benign. Last evaluated: 2018-06-14. Review status: criteria provided, single submitter. Criteria: GeneDx Variant Classification (06012015). Collection method: clinical testing. Allele origin: germline. Affected: yes.
Comment: This variant is considered likely benign or benign based on one or more of the following criteria: it is a conservative change, it occurs at a poorly conserved position in the protein, it is predicted to be benign by multiple in silico algorithms, and/or has population frequency not consistent with disease.